The following is an entry in ClinVar:

NM_001005361.3(DNM2):c.2414C>T (p.Ser805Leu)

Gene: DNM2 (dynamin 2; plus strand). Cytogenetic location: 19p13.2.
Variant type: single nucleotide variant.
Coding change: c.2414C>T on transcript NM_001005361.3 (MANE Select); coding-DNA position 2414, C replaced by T.
Protein change: p.Ser805Leu; replaces serine 805 with leucine.
Molecular consequence: missense variant.
Genome position (GRCh38, 1-based): chr19:10,830,249, C>T. VCF-style: chr19-10830249-C-T. GRCh37 (hg19) VCF-style: chr19-10940925-C-T.
Other names: NM_001005361.3(DNM2):c.2414C>T; p.Ser805Leu; c.2414C>T, p.Ser805Leu (NM_001005360.3, NM_001190716.2); c.2402C>T, p.Ser801Leu (NM_001005362.3, NM_004945.4); short protein forms S805L, S801L.
Identifiers: ClinVar variation 888872 (VCV000888872.14), dbSNP rs779081943, ClinGen allele CA9201616.

ClinVar aggregate classification (germline): Benign. Review status: reviewed by expert panel (3 of 4 stars). 5 submissions from 4 submitters: Benign (1). 4 of the submissions do not count toward it. Last evaluated 2024-08-07.

Conditions:
Autosomal dominant centronuclear myopathy. Also called: MYOTUBULAR MYOPATHY, AUTOSOMAL DOMINANT; Myopathy, centronuclear, 3. Identifiers: Orphanet 169189, MedGen C4551952, MeSH D020914, MONDO:0008048, OMIM 160150.
Charcot-Marie-Tooth disease dominant intermediate B (CMTDIB). Also called: CHARCOT-MARIE-TOOTH NEUROPATHY, DOMINANT INTERMEDIATE B; Charcot-Marie-Tooth disease dominant intermediate 1; CMT DI1; Charcot-Marie-Tooth disease dominant intermediate I. Identifiers: Orphanet 100044, Orphanet 228179, MedGen C1847902, MONDO:0011674, OMIM 606482.
Inborn genetic diseases. Identifiers: MedGen C0950123, MeSH D030342.
Centronuclear myopathy (CNM). Also called: Myotubular myopathy; Centronuclear myopathy, congenital. Identifiers: Orphanet 595, MedGen C0175709, MONDO:0018947. Inheritance: All.

Allele frequency attached by ClinVar (database versions not stated): gnomAD 0.00001; ExAC 0.00002; TOPMed 0.00002; gnomAD exomes 0.00004 and 0.00007.
gnomAD v4.1: 62 of 1,613,884 alleles (0.0038%); highest among the groups gnomAD compares: Admixed American, 0.015%; no homozygotes.

Submissions (5):

ClinGen Congenital Myopathies Variant Curation Expert Panel, ClinGen
Classification: Benign for Centronuclear myopathy. Last evaluated: 2024-08-07. Review status: reviewed by expert panel. Criteria: ClinGen CongenMyopathy ACMG Specifications DNM2 V1.0.0. Collection method: curation. Allele origin: germline. Inheritance: Autosomal dominant inheritance.
Comment: The c.2414C>T variant in DNM2 is a missense variant predicted to cause substitution of serine by leucine at amino acid 805 (p.Ser805Leu). The highest population filtering allele frequency in gnomAD v4.1 is 0.00008863 (9/59994 alleles) for the Admixed American population, which is higher than the ClinGen congenital myopathy DNM2 threshold (≥0.0000015) for BA1, and therefore meets this criterion (BA1). The computational predictor REVEL gives a score of 0.009, which is below the threshold of 0.15, evidence that does not predict a damaging effect on DNM2 function (BP4). DNM2, in which the variant was identified, is defined by the ClinGen Congenital Myopathies VCEP as a gene that has a low rate of benign missense variation and where pathogenic missense variants are a common mechanism of disease (PP2, not applied for this variant due to high allele frequency). In summary, this variant meets the criteria to be classified as benign for autosomal dominant centronuclear myopathy based on the ACMG/AMP criteria applied, as specified by the ClinGen Congenital Myopathies VCEP: BA1, BP4. (ClinGen Congenital Myopathies VCEP specifications version 1; 8/7/2024)

Labcorp Genetics (formerly Invitae), Labcorp
Classification: Likely benign for Charcot-Marie-Tooth disease dominant intermediate B. Last evaluated: 2025-01-20. Review status: criteria provided, single submitter. Criteria: Invitae Variant Classification Sherloc (09022015). Collection method: clinical testing. Allele origin: germline. Not counted in ClinVar's aggregate classification.

Ambry Genetics
Classification: Likely benign for Inborn genetic diseases. Last evaluated: 2022-06-10. Review status: criteria provided, single submitter. Criteria: Ambry Variant Classification Scheme 2023. Collection method: clinical testing. Allele origin: germline. Not counted in ClinVar's aggregate classification.

Illumina Laboratory Services, Illumina
Classification: Uncertain significance for Charcot-Marie-Tooth disease dominant intermediate B. Last evaluated: 2018-01-12. Review status: criteria provided, single submitter. Criteria: ICSL Variant Classification Criteria 13 December 2019. Collection method: clinical testing. Allele origin: germline. Not counted in ClinVar's aggregate classification.

Illumina Laboratory Services, Illumina
Classification: Uncertain significance for Autosomal dominant centronuclear myopathy. Last evaluated: 2018-01-12. Review status: criteria provided, single submitter. Criteria: ICSL Variant Classification Criteria 13 December 2019. Collection method: clinical testing. Allele origin: germline. Not counted in ClinVar's aggregate classification.